The following is an entry in ClinVar:

ClinVar aggregate classification (germline): Uncertain significance (1 of 4 stars; one submission).

Conditions:
Camptomelic dysplasia (CMPD). Also called: Campomelic Dysplasia; CMPD1/SRA1. Identifiers: Orphanet 140, MedGen C1861922, MONDO:0007251, OMIM 114290.

Submission:

3billion
Classification: Uncertain significance for Camptomelic dysplasia. Last evaluated: 2025-05-28. Review status: criteria provided, single submitter. Criteria: ACMG Guidelines, 2015. Collection method: clinical testing. Allele origin: germline. Affected: yes.
Comment: The variant is not observed in the gnomAD v4.1.0 dataset. Predicted Consequence/Location: Missense variant Therefore, this variant is classified as VUS according to the recommendation of ACMG/AMP guideline.

Literature cited by the submitters: PubMed 9002675.

NM_000346.4(SOX9):c.453_454delinsTT (p.Lys151_Arg152delinsAsnTrp)

Gene: SOX9 (SRY-box transcription factor 9; plus strand). Cytogenetic location: 17q24.3.
Variant type: Indel.
Coding change: c.453_454delinsTT on transcript NM_000346.4 (MANE Select); coding-DNA positions 453 to 454, GC replaced by TT.
Protein change: p.Lys151_Arg152delinsAsnTrp.
Molecular consequence: missense variant.
Genome position (GRCh38, 1-based): chr17:72,122,740-72,122,741, GC replaced by TT. VCF-style: chr17-72122740-GC-TT. GRCh37 (hg19) VCF-style: chr17-70118881-GC-TT.
Identifiers: ClinVar variation 4854990 (VCV004854990.1).